The following is an entry in ClinVar:

NM_030930.4(UNC93B1):c.284G>A (p.Arg95His)

Genes: UNC93B1 (unc-93B1 regulator of TLR signaling; minus strand), LOC130006234 (ATAC-STARR-seq lymphoblastoid active region 5128; plus strand). Cytogenetic location: 11q13.2.
Variant type: single nucleotide variant.
Coding change: c.284G>A on transcript NM_030930.4 (MANE Select); coding-DNA position 284, G replaced by A.
Protein change: p.Arg95His; replaces arginine 95 with histidine.
Molecular consequence: missense variant.
Genome position (GRCh38, 1-based): chr11:68,003,130, C>T on the plus strand (G>A on the coding strand, the complement: UNC93B1 is on the minus strand). VCF-style: chr11-68003130-C-T. GRCh37 (hg19) VCF-style: chr11-67770600-C-T.
Other names: short protein forms R95H.
Identifiers: ClinVar variation 1345853 (VCV001345853.6), dbSNP rs1405314727, ClinGen allele CA381578398.

ClinVar aggregate classification (germline): Uncertain significance (1 of 4 stars; one submission).

Conditions:
Encephalopathy, acute, infection-induced (herpes-specific), susceptibility to, 1. Also called: Herpes simplex encephalitis, susceptibility to, 1. Identifiers: Orphanet 1930, MedGen C2750180, MONDO:0024563, OMIM 610551.

gnomAD v4.1: 3 of 1,613,444 alleles (0.00019%); highest among the groups gnomAD compares: Non-Finnish European, 0.00017%; no homozygotes.

Submission:

Labcorp Genetics (formerly Invitae), Labcorp
Classification: Uncertain significance for Encephalopathy, acute, infection-induced (herpes-specific), susceptibility to, 1. Last evaluated: 2023-11-28. Review status: criteria provided, single submitter. Criteria: Invitae Variant Classification Sherloc (09022015). Collection method: clinical testing. Allele origin: germline.
Comment: This sequence change replaces arginine, which is basic and polar, with histidine, which is basic and polar, at codon 95 of the UNC93B1 protein (p.Arg95His). This variant is not present in population databases (gnomAD no frequency). This variant has not been reported in the literature in individuals affected with UNC93B1-related conditions. ClinVar contains an entry for this variant (Variation ID: 1345853). Experimental studies and prediction algorithms are not available or were not evaluated, and the functional significance of this variant is currently unknown. In summary, the available evidence is currently insufficient to determine the role of this variant in disease. Therefore, it has been classified as a Variant of Uncertain Significance.